The following is an entry in ClinVar:

ClinVar aggregate classification (germline): Uncertain significance (1 of 4 stars; one submission).

Conditions:
FGFR2-related craniosynostosis. Identifiers: MedGen CN231480.

gnomAD v4.1: 1 of 1,614,176 alleles (0.000062%); highest among the groups gnomAD compares: Non-Finnish European, 0.000085%; no homozygotes.

Submission:

Labcorp Genetics (formerly Invitae), Labcorp
Classification: Uncertain significance for FGFR2-related craniosynostosis. Last evaluated: 2025-07-29. Review status: criteria provided, single submitter. Criteria: Invitae Variant Classification Sherloc (09022015). Collection method: clinical testing. Allele origin: germline.
Comment: This sequence change replaces serine, which is neutral and polar, with cysteine, which is neutral and slightly polar, at codon 789 of the FGFR2 protein (p.Ser789Cys). This variant is not present in population databases (gnomAD no frequency). This variant has not been reported in the literature in individuals affected with FGFR2-related conditions. Invitae Evidence Modeling of protein sequence and biophysical properties (such as structural, functional, and spatial information, amino acid conservation, physicochemical variation, residue mobility, and thermodynamic stability) indicates that this missense variant is not expected to disrupt FGFR2 protein function with a negative predictive value of 80%. In summary, the available evidence is currently insufficient to determine the role of this variant in disease. Therefore, it has been classified as a Variant of Uncertain Significance.

NM_000141.5(FGFR2):c.2366C>G (p.Ser789Cys)

Gene: FGFR2 (fibroblast growth factor receptor 2; minus strand). Cytogenetic location: 10q26.13.
Variant type: single nucleotide variant.
Coding change: c.2366C>G on transcript NM_000141.5 (MANE Select); coding-DNA position 2366, C replaced by G.
Protein change: p.Ser789Cys; replaces serine 789 with cysteine.
Molecular consequence: missense variant. On other transcripts: 3 prime UTR variant (1), non-coding transcript variant (1), intron variant (1).
Genome position (GRCh38, 1-based): chr10:121,479,957, G>C on the plus strand (C>G on the coding strand, the complement: FGFR2 is on the minus strand). VCF-style: chr10-121479957-G-C. GRCh37 (hg19) VCF-style: chr10-123239471-G-C.
Other names: c.2030C>G, p.Ser677Cys (NM_001144914.1); c.2021C>G, p.Ser674Cys (NM_001144916.2, NM_001441090.1); c.2018C>G, p.Ser673Cys (NM_001144917.2); c.2015C>G, p.Ser672Cys (NM_001144918.2); c.1682C>G, p.Ser561Cys (NM_001320654.2); c.2360C>G, p.Ser787Cys (NM_001320658.2); c.2363C>G, p.Ser788Cys (NM_001441087.1); c.2096C>G, p.Ser699Cys (NM_001441088.1); and 5 more; short protein forms S561C, S672C, S673C, S674C, S677C, S698C, S699C, S700C.
Identifiers: ClinVar variation 4810058 (VCV004810058.1).
Genomic context (GRCh38, chr10:121,479,957, plus strand): 5'-AGGCATGGTTCGTAAGGCATGGGGTCTGGAGAAAAAACAGAATCATCTCCTGAAGAACAA[G>C]AACTTCTTGTGTCAGGGTAACTAGGTGAATACTGTTCGAGAGGTTGGCTGAGGTCCAAGT-3'
Protein context (NP_000132.3, residues 779-799): YSPSYPDTRS[Ser789Cys]CSSGDDSVFS